The following is an entry in ClinVar:

NM_024577.4(SH3TC2):c.3362C>A (p.Ala1121Glu)

Gene: SH3TC2 (SH3 domain and tetratricopeptide repeats 2; minus strand). Cytogenetic location: 5q32.
Variant type: single nucleotide variant.
Coding change: c.3362C>A on transcript NM_024577.4 (MANE Select); coding-DNA position 3362, C replaced by A.
Protein change: p.Ala1121Glu; replaces alanine 1121 with glutamic acid.
Molecular consequence: missense variant.
Genome position (GRCh38, 1-based): chr5:149,008,967, G>T on the plus strand (C>A on the coding strand, the complement: SH3TC2 is on the minus strand). VCF-style: chr5-149008967-G-T. GRCh37 (hg19) VCF-style: chr5-148388530-G-T.
Other names: short protein forms A1121E.
Identifiers: ClinVar variation 963273 (VCV000963273.8), dbSNP rs115577291, ClinGen allele CA361664691.

ClinVar aggregate classification (germline): Uncertain significance (1 of 4 stars; one submission).

Conditions:
Charcot-Marie-Tooth disease type 4. Also called: Charcot-Marie-Tooth disease, type IV; Charcot-Marie-Tooth, Type 4. Identifiers: Orphanet 64749, MedGen C4082197, MONDO:0018995.

gnomAD v4.1: 4 of 1,614,156 alleles (0.00025%); highest among the groups gnomAD compares: Non-Finnish European, 0.00017%; no homozygotes.

Submission:

Labcorp Genetics (formerly Invitae), Labcorp
Classification: Uncertain significance for Charcot-Marie-Tooth disease type 4. Last evaluated: 2025-05-27. Review status: criteria provided, single submitter. Criteria: Invitae Variant Classification Sherloc (09022015). Collection method: clinical testing. Allele origin: germline.
Comment: This sequence change replaces alanine, which is neutral and non-polar, with glutamic acid, which is acidic and polar, at codon 1121 of the SH3TC2 protein (p.Ala1121Glu). This variant is present in population databases (no rsID available, gnomAD 0.0009%). This variant has not been reported in the literature in individuals affected with SH3TC2-related conditions. ClinVar contains an entry for this variant (Variation ID: 963273). Invitae Evidence Modeling of protein sequence and biophysical properties (such as structural, functional, and spatial information, amino acid conservation, physicochemical variation, residue mobility, and thermodynamic stability) indicates that this missense variant is not expected to disrupt SH3TC2 protein function with a negative predictive value of 95%. In summary, the available evidence is currently insufficient to determine the role of this variant in disease. Therefore, it has been classified as a Variant of Uncertain Significance.